The following is an entry in ClinVar:

NM_004483.5(GCSH):c.1A>G (p.Met1Val)

Genes: GCSH (glycine cleavage system protein H; minus strand), LOC130059495 (ATAC-STARR-seq lymphoblastoid silent region 7751; plus strand). Cytogenetic location: 16q23.2.
Variant type: single nucleotide variant.
Coding change: c.1A>G on transcript NM_004483.5 (MANE Select); coding-DNA position 1, A replaced by G.
Protein change: p.Met1Val; changes the start codon (methionine 1).
Molecular consequence: missense variant, initiator codon variant. On other transcripts: non-coding transcript variant (1).
Genome position (GRCh38, 1-based): chr16:81,096,278, T>C on the plus strand (A>G on the coding strand, the complement: GCSH is on the minus strand). VCF-style: chr16-81096278-T-C. GRCh37 (hg19) VCF-style: chr16-81129883-T-C.
Other names: short protein forms M1V.
Identifiers: ClinVar variation 265685 (VCV000265685.11), dbSNP rs886039730, ClinGen allele CA10588627.

ClinVar aggregate classification (germline): Pathogenic/Likely pathogenic. Review status: criteria provided, multiple submitters, no conflicts (2 of 4 stars). 5 submissions from 5 submitters: Pathogenic (2); Likely pathogenic (2). 1 of the submissions does not count toward it. Last evaluated 2025-06-20.

Conditions:
Glycine encephalopathy. Also called: Nonketotic hyperglycinemia; Non-ketotic hyperglycinemia. Identifiers: Orphanet 407, MedGen C0751748, MONDO:0011612, HP:0008288.
GCSH-related disorder. Also called: GCSH-related condition.
Multiple mitochondrial dysfunctions syndrome 7 (MMDS7). Identifiers: MedGen C5830586, MONDO:0957382, OMIM 620423.

Allele frequency attached by ClinVar (database versions not stated): gnomAD 0.00001; gnomAD exomes 0.00001.

Submissions (5):

GeneDx
Classification: Pathogenic. Last evaluated: 2025-06-20. Review status: criteria provided, single submitter. Criteria: GeneDx Variant Classification Process June 2021. Collection method: clinical testing. Allele origin: germline. Affected: yes.
Comment: Initiation codon variant predicted to alter the protein; however, a downstream in-frame Methionine residue could serve as an alternate initiator codon; Published functional studies demonstrate a damaging effect [p.(M1?) produces a small amount of non-functional truncated protein] (PMID: 36190515); Not observed at significant frequency in large population cohorts (gnomAD); This variant is associated with the following publications: (PMID: 33890291, 36190515)

Department of Genetics, Rouen University Hospital, Normandy Center for Genomic and Personalized Medicine
Classification: Pathogenic for Multiple mitochondrial dysfunctions syndrome 7. Last evaluated: 2025-05-14. Review status: criteria provided, single submitter. Criteria: ACMG Guidelines, 2015. Collection method: clinical testing. Allele origin: maternal. Affected: yes.

PreventionGenetics, part of Exact Sciences
Classification: Likely pathogenic for GCSH-related condition. Last evaluated: 2023-05-04. Review status: criteria provided, single submitter. Criteria: ACMG Guidelines, 2015. Collection method: clinical testing. Allele origin: germline.
Comment: The GCSH c.1A>G variant is predicted to disrupt the translation initiation site (Start loss). This variant has been reported in the homozygous state in three individuals with non-ketotic hyperglycinaemia from two unrelated Indian families (Majethia et al. 2021. PubMed ID: 33890291). This variant has not been reported in a large population database, indicating this variant is rare. This variant is interpreted as likely pathogenic.

Kasturba Medical College, Manipal, Kasturba Medical College, Manipal, Manipal Academy of Higher Education, Manipal, India
Classification: Likely pathogenic for Glycine encephalopathy 1. Review status: criteria provided, single submitter. Criteria: ACMG Guidelines, 2015. Collection method: clinical testing. Allele origin: inherited. Affected: yes.

OMIM
Classification: Pathogenic for MULTIPLE MITOCHONDRIAL DYSFUNCTIONS SYNDROME 7. Last evaluated: 2023-09-05. Review status: no assertion criteria provided. Collection method: literature only. Allele origin: germline. Not counted in ClinVar's aggregate classification.

Literature cited by the submitters: PubMed 33890291 (cited by OMIM); PubMed 36190515 (cited by OMIM).